The following is an entry in ClinVar:

ClinVar aggregate classification (germline): Uncertain significance (1 of 4 stars; one submission).

gnomAD v4.1: 7 of 1,614,202 alleles (0.00043%); highest among the groups gnomAD compares: East Asian, 0.013%; no homozygotes.

Submission:

Labcorp Genetics (formerly Invitae), Labcorp
Classification: Uncertain significance. Last evaluated: 2022-04-14. Review status: criteria provided, single submitter. Criteria: Invitae Variant Classification Sherloc (09022015). Collection method: clinical testing. Allele origin: germline.
Comment: In summary, the available evidence is currently insufficient to determine the role of this variant in disease. Therefore, it has been classified as a Variant of Uncertain Significance. Experimental studies have shown that this missense change affects LPIN1 function (PMID: 33456573). Algorithms developed to predict the effect of missense changes on protein structure and function are either unavailable or do not agree on the potential impact of this missense change (SIFT: "Deleterious"; PolyPhen-2: "Possibly Damaging"; Align-GVGD: "Class C0"). This sequence change replaces isoleucine, which is neutral and non-polar, with leucine, which is neutral and non-polar, at codon 683 of the LPIN1 protein (p.Ile683Leu). This variant is present in population databases (rs752985875, gnomAD 0.006%). This missense change has been observed in individual(s) with clinical features of LPIN1-related conditions (PMID: 33456573).

Literature cited by the submitters: PubMed 33456573.

NM_001349206.2(LPIN1):c.2155A>C (p.Ile719Leu)

Gene: LPIN1 (lipin 1; plus strand). Cytogenetic location: 2p25.1.
Variant type: single nucleotide variant.
Coding change: c.2155A>C on transcript NM_001349206.2 (MANE Select); coding-DNA position 2155, A replaced by C.
Protein change: p.Ile719Leu; replaces isoleucine 719 with leucine.
Molecular consequence: missense variant. On other transcripts: non-coding transcript variant (1).
Genome position (GRCh38, 1-based): chr2:11,804,564, A>C. VCF-style: chr2-11804564-A-C. GRCh37 (hg19) VCF-style: chr2-11944690-A-C.
Other names: c.2065A>C, p.Ile689Leu (NM_001261427.3); c.2302A>C, p.Ile768Leu (NM_001261428.3); c.2047A>C, p.Ile683Leu (NM_001349199.2, NM_145693.4); c.2125A>C, p.Ile709Leu (NM_001349200.2, NM_001349201.2); c.2152A>C, p.Ile718Leu (NM_001349202.2, NM_001349203.2); c.2155A>C, p.Ile719Leu (NM_001349204.2, NM_001349205.2); c.2245A>C, p.Ile749Leu (NM_001349207.2); c.2194A>C, p.Ile732Leu (NM_001349208.2); short protein forms I719L, I732L, I768L, I683L, I689L, I749L, I709L, I718L.
Identifiers: ClinVar variation 1989508 (VCV001989508.4), dbSNP rs752985875, ClinGen allele CA1534004.